The following is an entry in ClinVar:

NM_018052.5(VAC14):c.1895C>T (p.Thr632Met)

Gene: VAC14 (VAC14 component of PIKFYVE complex; minus strand). Cytogenetic location: 16q22.1.
Variant type: single nucleotide variant.
Coding change: c.1895C>T on transcript NM_018052.5 (MANE Select); coding-DNA position 1895, C replaced by T.
Protein change: p.Thr632Met; replaces threonine 632 with methionine.
Molecular consequence: missense variant.
Genome position (GRCh38, 1-based): chr16:70,697,199, G>A on the plus strand (C>T on the coding strand, the complement: VAC14 is on the minus strand). VCF-style: chr16-70697199-G-A. GRCh37 (hg19) VCF-style: chr16-70731102-G-A.
Other names: c.1193C>T, p.Thr398Met (NM_001351157.2); short protein forms T632M, T398M.
Identifiers: ClinVar variation 397535 (VCV000397535.3), dbSNP rs1060499667, ClinGen allele CA16609410.

ClinVar aggregate classification (germline): Likely pathogenic. Review status: criteria provided, single submitter (1 of 4 stars). 2 submissions from 2 submitters: Likely pathogenic (1). 1 of the submissions does not count toward it. Last evaluated 2023-10-01.

Conditions:
Yunis-Varon syndrome (YVS). Also called: Cleidocranial dysplasia, micrognathia, absent thumbs, & distal aphalangia. Identifiers: Orphanet 3472, MedGen C1857663, MONDO:0008995, OMIM 216340.

Allele frequency attached by ClinVar (database versions not stated): gnomAD 0.00001; gnomAD exomes 0.00001; TOPMed 0.00002.
gnomAD v4.1: 9 of 1,613,910 alleles (0.00056%); highest among the groups gnomAD compares: Admixed American, 0.0033%; no homozygotes.

Submissions (2):

GeneDx
Classification: Likely pathogenic. Last evaluated: 2023-10-01. Review status: criteria provided, single submitter. Criteria: GeneDx Variant Classification Process June 2021. Collection method: clinical testing. Allele origin: germline. Affected: yes.
Comment: Not observed at significant frequency in large population cohorts (gnomAD); In silico analysis supports that this missense variant has a deleterious effect on protein structure/function; This variant is associated with the following publications: (PMID: 28635952, 31876398)

Care4Rare-SOLVE, CHEO
Classification: Uncertain significance for Yunis-Varon syndrome. Last evaluated: 2017-02-22. Review status: no assertion criteria provided. Collection method: clinical testing. Allele origin: paternal. Affected: yes. Study: Care4Rare. Not counted in ClinVar's aggregate classification.
Comment: These two variants were found in a compound heterozygous state. VAC14 forms tri-molecular complex with FIG4 and PIKFYVE. Mouse model shows vacuolar neurodegeneration. Biallelic missense cause striatonigral degeneration. Compelling candidate given CADD score, rarity, mouse model, and forms part of a complex with FIG4, a gene responsible for a portion of children with Yunis-Varon syndrome